The following is an entry in ClinVar:

NM_005918.4(MDH2):c.495A>C (p.Lys165Asn)

Gene: MDH2 (malate dehydrogenase 2; plus strand). Cytogenetic location: 7q11.23.
Variant type: single nucleotide variant.
Coding change: c.495A>C on transcript NM_005918.4 (MANE Select); coding-DNA position 495, A replaced by C.
Protein change: p.Lys165Asn; replaces lysine 165 with asparagine.
Molecular consequence: missense variant. On other transcripts: intron variant (1).
Genome position (GRCh38, 1-based): chr7:76,060,438, A>C. VCF-style: chr7-76060438-A-C. GRCh37 (hg19) VCF-style: chr7-75689756-A-C.
Other names: c.174A>C, p.Lys58Asn (NM_001282404.2); c.429+2360A>C (NM_001282403.2); short protein forms K165N, K58N.
Identifiers: ClinVar variation 3293827 (VCV003293827.1).
Genomic context (GRCh38, chr7:76,060,438, plus strand): 5'-TTCCACCATCCCCATCACAGCAGAAGTTTTCAAGAAGCATGGAGTGTACAACCCCAACAA[A>C]ATCTTCGGCGTGACGACCCTGGACATCGTCAGAGCCAACACCTTTGTTGCAGAGCTGAAG-3'
Protein context (NP_005909.2, residues 155-175): FKKHGVYNPN[Lys165Asn]IFGVTTLDIV

ClinVar aggregate classification (germline): Uncertain significance (1 of 4 stars; one submission).

Conditions:
Inborn genetic diseases. Identifiers: MedGen C0950123, MeSH D030342.

Submission:

Ambry Genetics
Classification: Uncertain significance for Inborn genetic diseases. Last evaluated: 2024-04-01. Review status: criteria provided, single submitter. Criteria: Ambry Variant Classification Scheme 2023. Collection method: clinical testing. Allele origin: germline.
Comment: The p.K165N variant (also known as c.495A>C), located in coding exon 5 of the MDH2 gene, results from an A to C substitution at nucleotide position 495. The lysine at codon 165 is replaced by asparagine, an amino acid with similar properties. This amino acid position is conserved. In addition, this alteration is predicted to be tolerated by in silico analysis. Based on the available evidence, the clinical significance of this alteration remains unclear.